The following is an entry in ClinVar:

ClinVar aggregate classification (germline): Likely benign (1 of 4 stars; one submission).

gnomAD v4.1: 2 of 1,613,898 alleles (0.00012%); highest among the groups gnomAD compares: Middle Eastern, 0.016%; no homozygotes.

Submission:

GeneDx
Classification: Likely benign. Last evaluated: 2017-05-18. Review status: criteria provided, single submitter. Criteria: GeneDx Variant Classification (06012015). Collection method: clinical testing. Allele origin: germline. Affected: yes.
Comment: This variant is considered likely benign or benign based on one or more of the following criteria: it is a conservative change, it occurs at a poorly conserved position in the protein, it is predicted to be benign by multiple in silico algorithms, and/or has population frequency not consistent with disease.

NM_004519.4(KCNQ3):c.429C>T (p.Thr143=)

Gene: KCNQ3 (potassium voltage-gated channel subfamily Q member 3; minus strand). Cytogenetic location: 8q24.22.
Variant type: single nucleotide variant.
Coding change: c.429C>T on transcript NM_004519.4 (MANE Select); coding-DNA position 429, C replaced by T.
Protein change: p.Thr143=; no amino-acid change (threonine 143 retained).
Molecular consequence: synonymous variant.
Genome position (GRCh38, 1-based): chr8:132,186,139, G>A on the plus strand (C>T on the coding strand, the complement: KCNQ3 is on the minus strand). VCF-style: chr8-132186139-G-A. GRCh37 (hg19) VCF-style: chr8-133198386-G-A.
Other names: c.69C>T, p.Thr23= (NM_001204824.2).
Identifiers: ClinVar variation 509578 (VCV000509578.1), dbSNP rs1257391946, ClinGen allele CA463070730.
Genomic context (GRCh38, chr8:132,186,139, plus strand): 5'-ATGCAATCTTACCAGTAACAGAAGCCAGTCTCCCGAGACAGTCTCATACTCCTTGAATGT[G>A]GTCAGGACAGCCAGAATCAAGCACCCCAGGACAATCAGGAACCTAGAGGGGAAGAAAGAA-3'
Protein context (NP_004510.1, residues 133-153): VLGCLILAVL[Thr143=]TFKEYETVSG